The following is an entry in ClinVar:

ClinVar aggregate classification (germline): Uncertain significance (1 of 4 stars; one submission).

Allele frequency attached by ClinVar (database versions not stated): gnomAD exomes below 0.00001.

Submission:

Labcorp Genetics (formerly Invitae), Labcorp
Classification: Uncertain significance. Last evaluated: 2023-09-10. Review status: criteria provided, single submitter. Criteria: Invitae Variant Classification Sherloc (09022015). Collection method: clinical testing. Allele origin: germline.
Comment: In summary, the available evidence is currently insufficient to determine the role of this variant in disease. Therefore, it has been classified as a Variant of Uncertain Significance. Advanced modeling of protein sequence and biophysical properties (such as structural, functional, and spatial information, amino acid conservation, physicochemical variation, residue mobility, and thermodynamic stability) has been performed at Invitae for this missense variant, however the output from this modeling did not meet the statistical confidence thresholds required to predict the impact of this variant on APOA1 protein function. This variant has not been reported in the literature in individuals affected with APOA1-related conditions. This variant is not present in population databases (gnomAD no frequency). This sequence change replaces glutamic acid, which is acidic and polar, with glutamine, which is neutral and polar, at codon 100 of the APOA1 protein (p.Glu100Gln).

NM_000039.3(APOA1):c.298G>C (p.Glu100Gln)

Genes: APOA1 (apolipoprotein A1; minus strand), APOA1-AS (APOA1 antisense RNA; plus strand). Cytogenetic location: 11q23.3.
Variant type: single nucleotide variant.
Coding change: c.298G>C on transcript NM_000039.3 (MANE Select); coding-DNA position 298, G replaced by C.
Protein change: p.Glu100Gln; replaces glutamic acid 100 with glutamine.
Molecular consequence: missense variant.
Genome position (GRCh38, 1-based): chr11:116,836,314, C>G on the plus strand (G>C on the coding strand, the complement: APOA1 is on the minus strand). VCF-style: chr11-116836314-C-G. GRCh37 (hg19) VCF-style: chr11-116707030-C-G.
Other names: c.298G>C, p.Glu100Gln (NM_001318017.2, NM_001318018.2, NM_001425090.1 and 1 more transcripts); c.-30G>C (NM_001318021.2, NM_001425091.1, NM_001425092.1); short protein forms E100Q.
Identifiers: ClinVar variation 2998246 (VCV002998246.3), dbSNP rs2540291293, ClinGen allele CA382716893.